The following is an entry in ClinVar:

NM_014314.4(RIGI):c.1240G>A (p.Val414Ile)

Gene: RIGI (RNA sensor RIG-I; minus strand). Cytogenetic location: 9p21.1.
Variant type: single nucleotide variant.
Coding change: c.1240G>A on transcript NM_014314.4 (MANE Select); coding-DNA position 1240, G replaced by A.
Protein change: p.Val414Ile; replaces valine 414 with isoleucine.
Molecular consequence: missense variant.
Genome position (GRCh38, 1-based): chr9:32,487,606, C>T on the plus strand (G>A on the coding strand, the complement: RIGI is on the minus strand). VCF-style: chr9-32487606-C-T. GRCh37 (hg19) VCF-style: chr9-32487604-C-T.
Other names: c.1234G>A, p.Val412Ile (NM_001385907.1); c.1240G>A, p.Val414Ile (NM_001385909.1); c.799G>A, p.Val267Ile (NM_001385910.1); c.631G>A, p.Val211Ile (NM_001385912.1); c.1225G>A, p.Val409Ile (NM_001385913.1); c.796G>A, p.Val266Ile (NM_001385914.1); short protein forms V211I, V266I, V414I, V267I, V409I, V412I.
Identifiers: ClinVar variation 2046506 (VCV002046506.4), dbSNP rs2489330142, ClinGen allele CA373156068.

ClinVar aggregate classification (germline): Uncertain significance (1 of 4 stars; one submission).

Submission:

Labcorp Genetics (formerly Invitae), Labcorp
Classification: Uncertain significance. Last evaluated: 2021-12-18. Review status: criteria provided, single submitter. Criteria: Invitae Variant Classification Sherloc (09022015). Collection method: clinical testing. Allele origin: germline.
Comment: This variant has not been reported in the literature in individuals affected with DDX58-related conditions. Algorithms developed to predict the effect of missense changes on protein structure and function output the following: SIFT: "Tolerated"; PolyPhen-2: "Benign"; Align-GVGD: "Class C0". The isoleucine amino acid residue is found in multiple mammalian species, which suggests that this missense change does not adversely affect protein function. In summary, the available evidence is currently insufficient to determine the role of this variant in disease. Therefore, it has been classified as a Variant of Uncertain Significance. This variant is not present in population databases (gnomAD no frequency). This sequence change replaces valine, which is neutral and non-polar, with isoleucine, which is neutral and non-polar, at codon 414 of the DDX58 protein (p.Val414Ile).